The following is an entry in ClinVar:

NM_000152.5(GAA):c.257C>A (p.Pro86His)

Gene: GAA (alpha glucosidase; plus strand). Cytogenetic location: 17q25.3.
Variant type: single nucleotide variant.
Coding change: c.257C>A on transcript NM_000152.5 (MANE Select); coding-DNA position 257, C replaced by A.
Protein change: p.Pro86His; replaces proline 86 with histidine.
Molecular consequence: missense variant.
Genome position (GRCh38, 1-based): chr17:80,104,843, C>A. VCF-style: chr17-80104843-C-A. GRCh37 (hg19) VCF-style: chr17-78078642-C-A.
Other names: c.257C>A, p.Pro86His (NM_001079803.3, NM_001079804.3, NM_001406741.1 and 1 more transcripts); short protein forms P86H.
Identifiers: ClinVar variation 2431964 (VCV002431964.4), dbSNP rs2229222, ClinGen allele CA294886928.
Genomic context (GRCh38, chr17:80,104,843, plus strand): 5'-GGGATGCCCAGGCACACCCCGGCCGTCCCAGAGCAGTGCCCACACAGTGCGACGTCCCCC[C>A]CAACAGCCGCTTCGATTGCGCCCCTGACAAGGCCATCACCCAGGAACAGTGCGAGGCCCG-3'
Protein context (NP_000143.2, residues 76-96): RAVPTQCDVP[Pro86His]NSRFDCAPDK

ClinVar aggregate classification (germline): Uncertain significance. Review status: criteria provided, multiple submitters, no conflicts (2 of 4 stars). 2 submissions from 2 submitters: Uncertain significance (2). Last evaluated 2024-11-18.

Conditions:
Glycogen storage disease, type II (IOPD). Also called: GSD II; Glucosidase acid-1,4-alpha deficiency; POMPE DISEASE, INFANTILE-ONSET; GLYCOGEN STORAGE DISEASE II, INFANTILE-ONSET; ACID ALPHA-GLUCOSIDASE DEFICIENCY, INFANTILE-ONSET; GAA DEFICIENCY, INFANTILE-ONSET. Identifiers: Orphanet 365, MedGen C0017921, MONDO:0009290, OMIM 232300.

Allele frequency attached by ClinVar (database versions not stated): ESP Exome Variant Server 0.00008.
gnomAD v4.1: 5 of 1,612,758 alleles (0.00031%); highest among the groups gnomAD compares: African/African-American, 0.0027%; no homozygotes.

Submissions (2):

Labcorp Genetics (formerly Invitae), Labcorp
Classification: Uncertain significance for Glycogen storage disease, type II. Last evaluated: 2024-11-18. Review status: criteria provided, single submitter. Criteria: Invitae Variant Classification Sherloc (09022015). Collection method: clinical testing. Allele origin: germline.
Comment: This sequence change replaces proline, which is neutral and non-polar, with histidine, which is basic and polar, at codon 86 of the GAA protein (p.Pro86His). This variant is not present in population databases (gnomAD no frequency). This variant has not been reported in the literature in individuals affected with GAA-related conditions. ClinVar contains an entry for this variant (Variation ID: 2431964). Invitae Evidence Modeling of protein sequence and biophysical properties (such as structural, functional, and spatial information, amino acid conservation, physicochemical variation, residue mobility, and thermodynamic stability) indicates that this missense variant is not expected to disrupt GAA protein function with a negative predictive value of 95%. In summary, the available evidence is currently insufficient to determine the role of this variant in disease. Therefore, it has been classified as a Variant of Uncertain Significance.

Revvity Omics, Revvity
Classification: Uncertain significance. Last evaluated: 2024-01-29. Review status: criteria provided, single submitter. Criteria: ACMG Guidelines, 2015. Collection method: clinical testing. Allele origin: germline.